The following is an entry in ClinVar:

NM_020812.4(DOCK6):c.6031C>T (p.Arg2011Trp)

Gene: DOCK6 (dedicator of cytokinesis 6; minus strand). Cytogenetic location: 19p13.2.
Variant type: single nucleotide variant.
Coding change: c.6031C>T on transcript NM_020812.4 (MANE Select); coding-DNA position 6031, C replaced by T.
Protein change: p.Arg2011Trp; replaces arginine 2011 with tryptophan.
Molecular consequence: missense variant.
Genome position (GRCh38, 1-based): chr19:11,200,378, G>A on the plus strand (C>T on the coding strand, the complement: DOCK6 is on the minus strand). VCF-style: chr19-11200378-G-A. GRCh37 (hg19) VCF-style: chr19-11311054-G-A.
Other names: c.6136C>T, p.Arg2046Trp (NM_001367830.1); c.6031C>T (NM_020812.2); short protein forms R2011W, R2046W.
Identifiers: ClinVar variation 1505984 (VCV001505984.7), dbSNP rs758692332, ClinGen allele CA9206250.
Genomic context (GRCh38, chr19:11,200,378, plus strand): 5'-GTGGGGTGGGTGCCATCAGCTGGGGCAGGCGCTGGGTAAGCAGGGGCTGCAGAGCCTCCC[G>A]CAGGCGGCAGTAGTTGCGCTCCAGCTCACGGTGGTACTCCTTCTGGTCCGGCCCAATCAG-3'
Protein context (NP_065863.2, residues 2001-2021): RELERNYCRL[Arg2011Trp]EALQPLLTQR

ClinVar aggregate classification (germline): Uncertain significance. Review status: criteria provided, multiple submitters, no conflicts (2 of 4 stars). 2 submissions from 2 submitters: Uncertain significance (2). Last evaluated 2023-12-11.

Conditions:
Inborn genetic diseases. Identifiers: MedGen C0950123, MeSH D030342.

Allele frequency attached by ClinVar (database versions not stated): ExAC 0.00002; gnomAD exomes 0.00002; gnomAD 0.00003; TOPMed 0.00003.
gnomAD v4.1: 40 of 1,599,140 alleles (0.0025%); highest among the groups gnomAD compares: Middle Eastern, 0.017%; no homozygotes.

Submissions (2):

Ambry Genetics
Classification: Uncertain significance for Inborn genetic diseases. Last evaluated: 2023-12-11. Review status: criteria provided, single submitter. Criteria: Ambry Variant Classification Scheme 2023. Collection method: clinical testing. Allele origin: germline.

Labcorp Genetics (formerly Invitae), Labcorp
Classification: Uncertain significance. Last evaluated: 2022-08-31. Review status: criteria provided, single submitter. Criteria: Invitae Variant Classification Sherloc (09022015). Collection method: clinical testing. Allele origin: germline.
Comment: This sequence change replaces arginine, which is basic and polar, with tryptophan, which is neutral and slightly polar, at codon 2011 of the DOCK6 protein (p.Arg2011Trp). The frequency data for this variant in the population databases is considered unreliable, as metrics indicate poor data quality at this position in the gnomAD database. This variant has not been reported in the literature in individuals affected with DOCK6-related conditions. ClinVar contains an entry for this variant (Variation ID: 1505984). Algorithms developed to predict the effect of missense changes on protein structure and function are either unavailable or do not agree on the potential impact of this missense change (SIFT: "Deleterious"; PolyPhen-2: "Probably Damaging"; Align-GVGD: "Class C0"). In summary, the available evidence is currently insufficient to determine the role of this variant in disease. Therefore, it has been classified as a Variant of Uncertain Significance.